The following is an entry in ClinVar:

NM_030665.4(RAI1):c.4677A>G (p.Arg1559=)

Gene: RAI1 (retinoic acid induced 1; plus strand). Cytogenetic location: 17p11.2.
Variant type: single nucleotide variant.
Coding change: c.4677A>G on transcript NM_030665.4 (MANE Select); coding-DNA position 4677, A replaced by G.
Protein change: p.Arg1559=; no amino-acid change (arginine 1559 retained).
Molecular consequence: synonymous variant.
Genome position (GRCh38, 1-based): chr17:17,797,625, A>G. VCF-style: chr17-17797625-A-G. GRCh37 (hg19) VCF-style: chr17-17700939-A-G.
Other names: c.4677A>G (NM_030665.3).
Identifiers: ClinVar variation 2914839 (VCV002914839.4), dbSNP rs2543621646, ClinGen allele CA498425354.

ClinVar aggregate classification (germline): Likely benign. Review status: criteria provided, single submitter (1 of 4 stars). 2 submissions from 2 submitters: Likely benign (1). 1 of the submissions does not count toward it. Last evaluated 2023-03-07.

Conditions:
RAI1-related disorder. Also called: RAI1-related condition.

Submissions (2):

Labcorp Genetics (formerly Invitae), Labcorp
Classification: Likely benign. Last evaluated: 2023-03-07. Review status: criteria provided, single submitter. Criteria: Invitae Variant Classification Sherloc (09022015). Collection method: clinical testing. Allele origin: germline.

PreventionGenetics, part of Exact Sciences
Classification: Likely benign for RAI1-related condition. Last evaluated: 2021-07-03. Review status: no assertion criteria provided. Collection method: clinical testing. Allele origin: germline. Not counted in ClinVar's aggregate classification.
Comment: This variant is classified as likely benign based on ACMG/AMP sequence variant interpretation guidelines (Richards et al. 2015 PMID: 25741868, with internal and published modifications).